The following is an entry in ClinVar:

NM_000051.4(ATM):c.659C>A (p.Ala220Glu)

Gene: ATM (ATM serine/threonine kinase; plus strand). Cytogenetic location: 11q22.3.
Variant type: single nucleotide variant.
Coding change: c.659C>A on transcript NM_000051.4 (MANE Select); coding-DNA position 659, C replaced by A.
Protein change: p.Ala220Glu; replaces alanine 220 with glutamic acid.
Molecular consequence: missense variant.
Genome position (GRCh38, 1-based): chr11:108,244,115, C>A. VCF-style: chr11-108244115-C-A. GRCh37 (hg19) VCF-style: chr11-108114842-C-A.
Other names: c.659C>A, p.Ala220Glu (NM_001351834.2); short protein forms A220E.
Identifiers: ClinVar variation 2842024 (VCV002842024.3), dbSNP rs145355104, ClinGen allele CA382528666.
Genomic context (GRCh38, chr11:108,244,115, plus strand): 5'-CTCAGACTGACGGATTAAATTCCAAATTTTTGGACTTTTTTTCCAAGGCTATTCAGTGTG[C>A]GAGGTAATCTAATCTCTTTTTCTTTTGTTTTGTATTGAAATACTTTTGATCTTGCAAGAC-3'
Protein context (NP_000042.3, residues 210-230): LDFFSKAIQC[Ala220Glu]RQEKSSSGLN

ClinVar aggregate classification (germline): Uncertain significance (1 of 4 stars; one submission).

Conditions:
Ataxia-telangiectasia syndrome (AT). Also called: Cerebello-oculocutaneous telangiectasia; Immunodeficiency with ataxia telangiectasia; Ataxia-telangiectasia, complementation group E; Ataxia-telangiectasia, complementation group D; LOUIS-BAR SYNDROME; AT, COMPLEMENTATION GROUP C. Identifiers: Orphanet 100, MedGen C0004135, MONDO:0008840, OMIM 208900.

Submission:

Labcorp Genetics (formerly Invitae), Labcorp
Classification: Uncertain significance for Ataxia-telangiectasia syndrome. Last evaluated: 2024-01-13. Review status: criteria provided, single submitter. Criteria: Invitae Variant Classification Sherloc (09022015). Collection method: clinical testing. Allele origin: germline.
Comment: This sequence change replaces alanine, which is neutral and non-polar, with glutamic acid, which is acidic and polar, at codon 220 of the ATM protein (p.Ala220Glu). This variant is not present in population databases (gnomAD no frequency). This variant has not been reported in the literature in individuals affected with ATM-related conditions. An algorithm developed to predict the effect of missense changes on protein structure and function (PolyPhen-2) suggests that this variant is likely to be disruptive. In summary, the available evidence is currently insufficient to determine the role of this variant in disease. Therefore, it has been classified as a Variant of Uncertain Significance.